The following is an entry in ClinVar:

ClinVar aggregate classification (germline): Uncertain significance (1 of 4 stars; one submission).

gnomAD v4.1: 1 of 1,613,226 alleles (0.000062%); highest among the groups gnomAD compares: Non-Finnish European, 0.000085%; no homozygotes.

Submission:

Women's Health and Genetics/Laboratory Corporation of America, LabCorp
Classification: Uncertain significance. Last evaluated: 2025-04-03. Review status: criteria provided, single submitter. Criteria: LabCorp Variant Classification Summary - May 2015. Collection method: clinical testing. Allele origin: germline.
Comment: Variant summary: ANO5 c.2235+5G>A alters a conserved nucleotide located close to a canonical splice site and therefore could affect mRNA splicing, leading to a significantly altered protein sequence. Several computational tools predict a significant impact on normal splicing: Three predict the variant weakens a 5' donor site. One predicts the variant abolishes a 5' splicing donor site. However, these predictions have yet to be confirmed by functional studies. The variant was absent in 251386 control chromosomes (gnomAD). c.2235+5G>A has been reported in the literature in two siblings affected with autosomal recessive limb-girdle muscular dystrophy (Reddy_2017). These data indicate that the variant may be associated with disease. To our knowledge, no experimental evidence demonstrating an impact on protein function has been reported. The following publication has been ascertained in the context of this evaluation (PMID: 27708273). No submitters have cited clinical-significance assessments for this variant to ClinVar. Based on the evidence outlined above, the variant was classified as VUS-possibly pathogenic.

Literature cited by the submitters: PubMed 27708273.

NM_213599.3(ANO5):c.2235+5G>A

Gene: ANO5 (anoctamin 5; plus strand). Cytogenetic location: 11p14.3.
Variant type: single nucleotide variant.
Coding change: c.2235+5G>A on transcript NM_213599.3 (MANE Select); 5 bases into the intron after coding-DNA position 2235, G replaced by A.
Molecular consequence: intron variant.
Genome position (GRCh38, 1-based): chr11:22,272,994, G>A. VCF-style: chr11-22272994-G-A. GRCh37 (hg19) VCF-style: chr11-22294540-G-A.
Other names: c.2193+5G>A (NM_001410963.1); c.2232+5G>A (NM_001142649.2); c.2190+5G>A (NM_001410964.1).
Identifiers: ClinVar variation 3896522 (VCV003896522.2).
Genomic context (GRCh38, chr11:22,272,994, plus strand): 5'-TAGGTGTTTGGCAAGACATTCTTTATGGAATGGCTGTCCTTTCTGTTGCAACTAATGTAA[G>A]TGGACCTATTTCGGTGGGGTGACTTTGTATTTCATTTTGGGGGGTGTGGGGAGATGTGAA-3'